The following is an entry in ClinVar:

ClinVar aggregate classification (germline): Benign/Likely benign. Review status: criteria provided, multiple submitters, no conflicts (2 of 4 stars). 7 submissions from 7 submitters: Benign (1); Likely benign (6). Last evaluated 2026-05-19.

Conditions:
Hereditary cancer-predisposing syndrome. Also called: Neoplastic Syndromes, Hereditary; Hereditary Cancer Syndrome; Hereditary neoplastic syndrome; Tumor predisposition. Identifiers: Orphanet 140162, MedGen C0027672, MeSH D009386, MONDO:0015356.
Cardiovascular phenotype. Identifiers: MedGen CN230736.
Neurofibromatosis, type 1 (NF1). Also called: VON RECKLINGHAUSEN DISEASE; Peripheral type neurofibromatosis; NEUROFIBROMATOSIS, TYPE I, SOMATIC; Neurofibromatosis, type I. Identifiers: Orphanet 636, MedGen C0027831, MONDO:0018975, OMIM 162200. Disease mechanism: loss of function.
Neurofibromatosis-Noonan syndrome (NFNS). Also called: NEUROFIBROMATOSIS WITH NOONAN PHENOTYPE. Identifiers: Orphanet 638, MedGen C2931482, MONDO:0011035, OMIM 601321. Disease mechanism: loss of function.
Café-au-lait macules with pulmonary stenosis (WTSN). Also called: PULMONIC STENOSIS WITH CAFE-AU-LAIT SPOTS. Identifiers: MedGen C0553586, MONDO:0008672, OMIM 193520.
Juvenile myelomonocytic leukemia (JMML). Also called: LEUKEMIA, JUVENILE MYELOMONOCYTIC, SOMATIC. Identifiers: Orphanet 86834, MedGen C0349639, MONDO:0011908, OMIM 607785, HP:0012209.
Neurofibromatosis, familial spinal (FSNF). Identifiers: Orphanet 636, MedGen C1834235, MONDO:0008078, OMIM 162210. Disease mechanism: loss of function.

Allele frequency attached by ClinVar (database versions not stated): gnomAD 0.00002; gnomAD exomes 0.00002 and 0.00001; TOPMed below 0.00001.
gnomAD v4.1: 29 of 1,613,738 alleles (0.0018%); highest among the groups gnomAD compares: Non-Finnish European, 0.0021%; 1 homozygote.

Submissions (7):

Myriad Genetics, Inc.
Classification: Benign for Neurofibromatosis, type 1. Last evaluated: 2026-05-19. Review status: criteria provided, single submitter. Criteria: Myriad Autosomal Dominant, Autosomal Recessive and X-Linked Classification Criteria (2023). Collection method: clinical testing. Allele origin: unknown.
Comment: This variant is considered benign. This variant is a silent/synonymous amino acid change and it is not expected to impact splicing.

Labcorp Genetics (formerly Invitae), Labcorp
Classification: Likely benign for Neurofibromatosis, type 1. Last evaluated: 2026-01-28. Review status: criteria provided, single submitter. Criteria: Invitae Variant Classification Sherloc (09022015). Collection method: clinical testing. Allele origin: germline.

Department of Pathology and Laboratory Medicine, Sinai Health System
Classification: Likely benign for Neurofibromatosis, type 1; Neurofibromatosis, familial spinal; Café-au-lait macules with pulmonary stenosis; Neurofibromatosis-Noonan syndrome; Juvenile myelomonocytic leukemia. Last evaluated: 2024-09-18. Review status: criteria provided, single submitter. Criteria: ACMG Guidelines, 2015. Collection method: clinical testing. Allele origin: germline.

Blueprint Genetics
Classification: Likely benign. Last evaluated: 2024-03-14. Review status: criteria provided, single submitter. Criteria: ACMG Guidelines, 2015. Collection method: clinical testing. Allele origin: germline.

Genome-Nilou Lab
Classification: Likely benign for Neurofibromatosis, type 1. Last evaluated: 2022-03-15. Review status: criteria provided, single submitter. Criteria: ACMG Guidelines, 2015. Collection method: clinical testing. Allele origin: germline. Affected: no.

Women's Health and Genetics/Laboratory Corporation of America, LabCorp
Classification: Likely benign. Last evaluated: 2020-01-31. Review status: criteria provided, single submitter. Criteria: LabCorp Variant Classification Summary - May 2015. Collection method: clinical testing. Allele origin: germline.

Ambry Genetics
Classification: Likely benign for Cardiovascular phenotype; Hereditary cancer-predisposing syndrome. Last evaluated: 2016-10-10. Review status: criteria provided, single submitter. Criteria: Ambry Variant Classification Scheme 2023. Collection method: clinical testing. Allele origin: germline.

NM_001042492.3(NF1):c.4434T>C (p.Phe1478=)

Gene: NF1 (neurofibromin 1; plus strand). Cytogenetic location: 17q11.2.
Variant type: single nucleotide variant.
Coding change: c.4434T>C on transcript NM_001042492.3 (MANE Select); coding-DNA position 4434, T replaced by C.
Protein change: p.Phe1478=; no amino-acid change (phenylalanine 1478 retained).
Molecular consequence: synonymous variant.
Genome position (GRCh38, 1-based): chr17:31,260,372, T>C. VCF-style: chr17-31260372-T-C. GRCh37 (hg19) VCF-style: chr17-29587390-T-C.
Other names: c.4371T>C, p.Phe1457= (NM_000267.4).
Identifiers: ClinVar variation 457700 (VCV000457700.19), dbSNP rs1310523976, ClinGen allele CA499233630.